The following is an entry in ClinVar:

ClinVar aggregate classification (germline): Pathogenic (1 of 4 stars; one submission).

Conditions:
Hereditary cancer-predisposing syndrome. Also called: Hereditary Cancer Syndrome; Hereditary neoplastic syndrome; Neoplastic Syndromes, Hereditary; Tumor predisposition. Identifiers: Orphanet 140162, MedGen C0027672, MeSH D009386, MONDO:0015356.

Submission:

Ambry Genetics
Classification: Pathogenic for Hereditary cancer-predisposing syndrome. Last evaluated: 2025-05-22. Review status: criteria provided, single submitter. Criteria: Ambry Variant Classification Scheme 2023. Collection method: clinical testing. Allele origin: germline.
Comment: The c.3114_3121delAAGCAAAC pathogenic mutation, located in coding exon 22 of the MSH3 gene, results from a deletion of 8 nucleotides at nucleotide positions 3114 to 3121, causing a translational frameshift with a predicted alternate stop codon (p.E1038Dfs*11). This variant is considered to be rare based on population cohorts in the Genome Aggregation Database (gnomAD). This alteration is expected to result in loss of function by premature protein truncation or nonsense-mediated mRNA decay. As such, this alteration is interpreted as a disease-causing mutation.

NM_002439.5(MSH3):c.3114_3121del (p.Glu1038fs)

Gene: MSH3 (mutS homolog 3; plus strand). Cytogenetic location: 5q14.1.
Variant type: Deletion.
Coding change: c.3114_3121del on transcript NM_002439.5 (MANE Select); coding-DNA positions 3114 to 3121, 8 bases deleted (AAGCAAAC; older notation c.3114_3121delAAGCAAAC).
Protein change: p.Glu1038fs; shifts the reading frame from glutamic acid 1038.
Molecular consequence: frameshift variant.
Genome position (GRCh38, 1-based): chr5:80,864,926-80,864,933, AAGCAAAC deleted. VCF-style (leftmost placement, unchanged base first): chr5-80864925-AAAGCAAAC-A. GRCh37 (hg19) VCF-style: chr5-80160744-AAAGCAAAC-A.
Other names: short protein forms E1038fs.
Identifiers: ClinVar variation 3913639 (VCV003913639.1).
Genomic context (GRCh38, chr5:80,864,925, plus strand): 5'-AAAAAAATTACTCACACCAGGTGGGGAATTACCACATGGGATTCTTGGTCAGTGAGGATG[AAAGCAAAC>A]TGGATCCAGGTATGAAATATTCCTGCAGTTGGTACAAATATTGGTTTTCATGTTTGATAA-3'